The following is an entry in ClinVar:

NM_004315.6(ASAH1):c.91A>G (p.Ile31Val)

Gene: ASAH1 (N-acylsphingosine amidohydrolase 1; minus strand). Cytogenetic location: 8p22.
Variant type: single nucleotide variant.
Coding change: c.91A>G on transcript NM_004315.6; coding-DNA position 91, A replaced by G.
Protein change: p.Ile31Val; replaces isoleucine 31 with valine.
Molecular consequence: missense variant.
Genome position (GRCh38, 1-based): chr8:18,084,711, T>C on the plus strand (A>G on the coding strand, the complement: ASAH1 is on the minus strand). VCF-style: chr8-18084711-T-C. GRCh37 (hg19) VCF-style: chr8-17942220-T-C.
Other names: c.91A>G, p.Ile31Val (NM_001127505.3); short protein forms I31V.
Identifiers: ClinVar variation 1215682 (VCV001215682.7), dbSNP rs3213606, ClinGen allele CA4651215.

ClinVar aggregate classification (germline): Likely benign. Review status: criteria provided, single submitter (1 of 4 stars). 2 submissions from 2 submitters: Likely benign (1). 1 of the submissions does not count toward it. Last evaluated 2019-05-07.

Conditions:
ASAH1-related disorders. Also called: ASAH1-related condition; ASAH1-related disorder. Identifiers: MedGen CN376120, MONDO:0800460.

Allele frequency attached by ClinVar (database versions not stated): ESP Exome Variant Server 0.00038; 1000 Genomes Project 0.00439; 1000 Genomes Project 30x 0.00484; gnomAD 0.00133 and 0.00092; TOPMed 0.00172; gnomAD exomes 0.00272 and 0.00137; ExAC 0.00301.
gnomAD v4.1: 2,220 of 1,613,758 alleles (0.14%); highest among the groups gnomAD compares: East Asian, 3.4%; 39 homozygotes.

Submissions (2):

GeneDx
Classification: Likely benign. Last evaluated: 2019-05-07. Review status: criteria provided, single submitter. Criteria: GeneDx Variant Classification Process June 2021. Collection method: clinical testing. Allele origin: germline. Affected: yes.

PreventionGenetics, part of Exact Sciences
Classification: Benign for ASAH1-related condition. Last evaluated: 2024-08-26. Review status: no assertion criteria provided. Collection method: clinical testing. Allele origin: germline. Not counted in ClinVar's aggregate classification.
Comment: This variant is classified as benign based on ACMG/AMP sequence variant interpretation guidelines (Richards et al. 2015 PMID: 25741868, with internal and published modifications).